The following is an entry in ClinVar:

NM_001378454.1(ALMS1):c.10454A>G (p.His3485Arg)

Gene: ALMS1 (ALMS1 centrosome and basal body associated protein; plus strand). Cytogenetic location: 2p13.1.
Variant type: single nucleotide variant.
Coding change: c.10454A>G on transcript NM_001378454.1 (MANE Select); coding-DNA position 10454, A replaced by G.
Protein change: p.His3485Arg; replaces histidine 3485 with arginine.
Molecular consequence: missense variant.
Genome position (GRCh38, 1-based): chr2:73,572,331, A>G. VCF-style: chr2-73572331-A-G. GRCh37 (hg19) VCF-style: chr2-73799458-A-G.
Other names: c.10457A>G, p.His3486Arg (NM_015120.4); short protein forms H3485R, H3486R.
Identifiers: ClinVar variation 1696932 (VCV001696932.2), dbSNP rs2104103721, ClinGen allele CA347282955.

ClinVar aggregate classification (germline): Uncertain significance (1 of 4 stars; one submission).

Submission:

GeneDx
Classification: Uncertain significance. Last evaluated: 2022-01-17. Review status: criteria provided, single submitter. Criteria: GeneDx Variant Classification Process June 2021. Collection method: clinical testing. Allele origin: germline. Affected: yes.
Comment: Not observed at significant frequency in large population cohorts (gnomAD); In silico analysis supports that this missense variant has a deleterious effect on protein structure/function; Has not been previously published as pathogenic or benign to our knowledge